The following is an entry in ClinVar:

NM_000038.6(APC):c.6931A>G (p.Arg2311Gly)

Gene: APC (APC regulator of Wnt signaling pathway; plus strand). Cytogenetic location: 5q22.2.
Variant type: single nucleotide variant.
Coding change: c.6931A>G on transcript NM_000038.6 (MANE Select); coding-DNA position 6931, A replaced by G.
Protein change: p.Arg2311Gly; replaces arginine 2311 with glycine.
Molecular consequence: missense variant.
Genome position (GRCh38, 1-based): chr5:112,842,525, A>G. VCF-style: chr5-112842525-A-G. GRCh37 (hg19) VCF-style: chr5-112178222-A-G.
Other names: c.6931A>G, p.Arg2311Gly (NM_001127510.3, NM_001354895.2); c.6877A>G, p.Arg2293Gly (NM_001127511.3); c.6985A>G, p.Arg2329Gly (NM_001354896.2); c.6961A>G, p.Arg2321Gly (NM_001354897.2); c.6856A>G, p.Arg2286Gly (NM_001354898.2); c.6847A>G, p.Arg2283Gly (NM_001354899.2); c.6808A>G, p.Arg2270Gly (NM_001354900.2); c.6754A>G, p.Arg2252Gly (NM_001354901.2); and 5 more; short protein forms R2293G, R2311G, R2185G, R2210G, R2270G, R2028G, R2286G, R2329G.
Identifiers: ClinVar variation 236638 (VCV000236638.15), dbSNP rs878853467, ClinGen allele CA10582337.

ClinVar aggregate classification (germline): Uncertain significance. Review status: criteria provided, multiple submitters, no conflicts (2 of 4 stars). 4 submissions from 4 submitters: Uncertain significance (4). Last evaluated 2024-02-20.

Conditions:
Classic or attenuated familial adenomatous polyposis. Identifiers: MedGen CN372698, MONDO:0021057.
Hereditary cancer-predisposing syndrome. Also called: Hereditary neoplastic syndrome; Hereditary Cancer Syndrome; Neoplastic Syndromes, Hereditary; Tumor predisposition. Identifiers: Orphanet 140162, MedGen C0027672, MeSH D009386, MONDO:0015356.
Familial adenomatous polyposis 1 (FAP1). Also called: FAMILIAL ADENOMATOUS POLYPOSIS 1, ATTENUATED; POLYPOSIS, ADENOMATOUS INTESTINAL. Identifiers: MedGen C2713442, MONDO:0021056, OMIM 175100. Disease mechanism: loss of function.

Allele frequency attached by ClinVar (database versions not stated): gnomAD exomes below 0.00001.
gnomAD v4.1: 1 of 1,614,096 alleles (0.000062%); highest among the groups gnomAD compares: Non-Finnish European, 0.000085%; no homozygotes.

Submissions (4):

Ambry Genetics
Classification: Uncertain significance for Hereditary cancer-predisposing syndrome. Last evaluated: 2024-02-20. Review status: criteria provided, single submitter. Criteria: Ambry Variant Classification Scheme 2023. Collection method: clinical testing. Allele origin: germline.
Comment: The p.R2311G variant (also known as c.6931A>G), located in coding exon 15 of the APC gene, results from an A to G substitution at nucleotide position 6931. The arginine at codon 2311 is replaced by glycine, an amino acid with dissimilar properties. This amino acid position is highly conserved in available vertebrate species. In addition, in silico predictors for this gene do not accurately predict pathogenicity. Based on the available evidence, the clinical significance of this alteration remains unclear.

Labcorp Genetics (formerly Invitae), Labcorp
Classification: Uncertain significance for Familial adenomatous polyposis 1. Last evaluated: 2024-02-15. Review status: criteria provided, single submitter. Criteria: Invitae Variant Classification Sherloc (09022015). Collection method: clinical testing. Allele origin: germline.
Comment: This sequence change replaces arginine, which is basic and polar, with glycine, which is neutral and non-polar, at codon 2311 of the APC protein (p.Arg2311Gly). This variant is not present in population databases (gnomAD no frequency). This variant has not been reported in the literature in individuals affected with APC-related conditions. ClinVar contains an entry for this variant (Variation ID: 236638). Advanced modeling of protein sequence and biophysical properties (such as structural, functional, and spatial information, amino acid conservation, physicochemical variation, residue mobility, and thermodynamic stability) performed at Invitae indicates that this missense variant is not expected to disrupt APC protein function with a negative predictive value of 95%. In summary, the available evidence is currently insufficient to determine the role of this variant in disease. Therefore, it has been classified as a Variant of Uncertain Significance.

All of Us Research Program, National Institutes of Health
Classification: Uncertain significance for Classic or attenuated familial adenomatous polyposis. Last evaluated: 2023-07-13. Review status: criteria provided, single submitter. Criteria: ACMG Guidelines, 2015. Collection method: clinical testing. Allele origin: germline. Inheritance: Autosomal dominant inheritance. Observed: 1 variant allele, 1 heterozygote.
Comment: This study involves interpretation of variants in research participants for the purpose of population health screening. Participant phenotype was not available at the time of variant classification. Additional details can be found in publication PMID: 35346344, PMCID: PMC8962531

Color Diagnostics, LLC DBA Color Health
Classification: Uncertain significance for Hereditary cancer-predisposing syndrome. Last evaluated: 2019-02-17. Review status: criteria provided, single submitter. Criteria: ACMG Guidelines, 2015. Collection method: clinical testing. Allele origin: germline.